The following is an entry in ClinVar:

NM_001105206.3(LAMA4):c.1943C>G (p.Thr648Ser)

Gene: LAMA4 (laminin subunit alpha 4; minus strand). Cytogenetic location: 6q21.
Variant type: single nucleotide variant.
Coding change: c.1943C>G on transcript NM_001105206.3 (MANE Select); coding-DNA position 1943, C replaced by G.
Protein change: p.Thr648Ser; replaces threonine 648 with serine.
Molecular consequence: missense variant.
Genome position (GRCh38, 1-based): chr6:112,155,581, G>C on the plus strand (C>G on the coding strand, the complement: LAMA4 is on the minus strand). VCF-style: chr6-112155581-G-C. GRCh37 (hg19) VCF-style: chr6-112476783-G-C.
Other names: c.1922C>G, p.Thr641Ser (NM_001105207.3, NM_002290.5); short protein forms T641S, T648S.
Identifiers: ClinVar variation 4798462 (VCV004798462.1).

ClinVar aggregate classification (germline): Uncertain significance (1 of 4 stars; one submission).

Conditions:
Dilated cardiomyopathy 1JJ (CMD1JJ). Identifiers: Orphanet 154, MedGen C3808935, MONDO:0014095, OMIM 615235.

gnomAD v4.1: 3 of 1,614,170 alleles (0.00019%); highest among the groups gnomAD compares: Non-Finnish European, 0.00025%; no homozygotes.

Submission:

Labcorp Genetics (formerly Invitae), Labcorp
Classification: Uncertain significance for Dilated cardiomyopathy 1JJ. Last evaluated: 2025-04-28. Review status: criteria provided, single submitter. Criteria: Invitae Variant Classification Sherloc (09022015). Collection method: clinical testing. Allele origin: germline.
Comment: This sequence change replaces threonine, which is neutral and polar, with serine, which is neutral and polar, at codon 641 of the LAMA4 protein (p.Thr641Ser). This variant is not present in population databases (gnomAD no frequency). This variant has not been reported in the literature in individuals affected with LAMA4-related conditions. An algorithm developed to predict the effect of missense changes on protein structure and function (PolyPhen-2) suggests that this variant is likely to be tolerated. In summary, the available evidence is currently insufficient to determine the role of this variant in disease. Therefore, it has been classified as a Variant of Uncertain Significance.